The following is an entry in ClinVar:

NM_006265.3(RAD21):c.1183C>T (p.Pro395Ser)

Gene: RAD21 (RAD21 cohesin complex component; minus strand). Cytogenetic location: 8q24.11.
Variant type: single nucleotide variant.
Coding change: c.1183C>T on transcript NM_006265.3 (MANE Select); coding-DNA position 1183, C replaced by T.
Protein change: p.Pro395Ser; replaces proline 395 with serine.
Molecular consequence: missense variant.
Genome position (GRCh38, 1-based): chr8:116,852,687, G>A on the plus strand (C>T on the coding strand, the complement: RAD21 is on the minus strand). VCF-style: chr8-116852687-G-A. GRCh37 (hg19) VCF-style: chr8-117864926-G-A.
Other names: short protein forms P395S.
Identifiers: ClinVar variation 3367278 (VCV003367278.1).

ClinVar aggregate classification (germline): Uncertain significance (1 of 4 stars; one submission).

Submission:

GeneDx
Classification: Uncertain significance. Last evaluated: 2023-12-28. Review status: criteria provided, single submitter. Criteria: GeneDx Variant Classification Process June 2021. Collection method: clinical testing. Allele origin: germline. Affected: yes.
Comment: Not observed at significant frequency in large population cohorts (gnomAD); In silico analysis supports that this missense variant does not alter protein structure/function; Has not been previously published as pathogenic or benign to our knowledge